The following is an entry in ClinVar:

ClinVar aggregate classification (germline): Benign. Review status: criteria provided, multiple submitters, no conflicts (2 of 4 stars). 3 submissions from 3 submitters: Benign (3). Last evaluated 2018-06-28.

Conditions:
Megaconial type congenital muscular dystrophy (MDCMC). Also called: MUSCULAR DYSTROPHY, CONGENITAL, WITH MITOCHONDRIAL STRUCTURAL ABNORMALITIES; CHKB-Related Muscle Diseases; CHKB-Related Muscular Dystrophy. Identifiers: Orphanet 280671, MedGen C1865233, MONDO:0011246, OMIM 602541.

Allele frequency attached by ClinVar (database versions not stated): gnomAD exomes 0.08710; gnomAD 0.09639 and 0.10230; TOPMed 0.10911; 1000 Genomes Project 30x 0.18301; 1000 Genomes Project 0.18790.
gnomAD v4.1: 76,050 of 847,002 alleles (9%); highest among the groups gnomAD compares: East Asian, 38%; 6,122 homozygotes.

Submissions (3):

GeneDx
Classification: Benign. Last evaluated: 2018-06-28. Review status: criteria provided, single submitter. Criteria: GeneDx Variant Classification Process June 2021. Collection method: clinical testing. Allele origin: germline. Affected: yes.

Illumina Laboratory Services, Illumina
Classification: Benign for Megaconial type congenital muscular dystrophy. Last evaluated: 2018-01-13. Review status: criteria provided, single submitter. Criteria: ICSL Variant Classification Criteria 13 December 2019. Collection method: clinical testing. Allele origin: germline.
Comment: This variant was observed in the ICSL laboratory as part of a predisposition screen in an ostensibly healthy population. It had not been previously curated by ICSL or reported in the Human Gene Mutation Database (HGMD: prior to June 1st, 2018), and was therefore a candidate for classification through an automated scoring system. Utilizing variant allele frequency, disease prevalence and penetrance estimates, and inheritance mode, an automated score was calculated to assess if this variant is too frequent to cause the disease. Based on the score and internal cut-off values, a variant classified as benign is not then subjected to further curation. The score for this variant resulted in a classification of benign for this disease.

Breakthrough Genomics
Classification: Benign. Review status: criteria provided, single submitter. Criteria: ACMG Guidelines, 2015. Collection method: not provided. Allele origin: germline. Inheritance: Autosomal recessive inheritance. Affected: yes.

NM_005198.5(CHKB):c.*134T>C

Genes: CHKB (choline kinase beta; minus strand), CHKB-CPT1B (CHKB-CPT1B readthrough (NMD candidate); minus strand). Cytogenetic location: 22q13.33.
Variant type: single nucleotide variant.
Coding change: c.*134T>C on transcript NM_005198.5 (MANE Select); 134 bases downstream of the stop codon, T replaced by C.
Molecular consequence: 3 prime UTR variant. On other transcripts: non-coding transcript variant (1).
Genome position (GRCh38, 1-based): chr22:50,579,047, A>G on the plus strand (T>C on the coding strand, the complement: CHKB is on the minus strand). VCF-style: chr22-50579047-A-G. GRCh37 (hg19) VCF-style: chr22-51017476-A-G.
Identifiers: ClinVar variation 342162 (VCV000342162.7), dbSNP rs1056964, ClinGen allele CA10654210.